The following is an entry in ClinVar:

NM_152743.4(BRAT1):c.249C>A (p.Phe83Leu)

Gene: BRAT1 (BRCA1 associated ATM activator 1; minus strand). Cytogenetic location: 7p22.3.
Variant type: single nucleotide variant.
Coding change: c.249C>A on transcript NM_152743.4 (MANE Select); coding-DNA position 249, C replaced by A.
Protein change: p.Phe83Leu; replaces phenylalanine 83 with leucine.
Molecular consequence: missense variant. On other transcripts: 5 prime UTR variant (1), non-coding transcript variant (1).
Genome position (GRCh38, 1-based): chr7:2,547,357, G>T on the plus strand (C>A on the coding strand, the complement: BRAT1 is on the minus strand). VCF-style: chr7-2547357-G-T. GRCh37 (hg19) VCF-style: chr7-2586991-G-T.
Other names: c.249C>A, p.Phe83Leu (NM_001350626.2); c.-129C>A (NM_001350627.2); short protein forms F83L.
Identifiers: ClinVar variation 652218 (VCV000652218.10), dbSNP rs1339437631, ClinGen allele CA366633139.
Genomic context (GRCh38, chr7:2,547,357, plus strand): 5'-CACTCAGGTGGGAGGCCCCAGGCTCACCTGAAGATACTGGAAGCAGTTTTCCTGGGCTGC[G>T]AAGGTTCCTGCCAGGCGCAGTGAGAAGGAGAGGACCCCAGAACTCAGGTCCTGGACTTTC-3'
Protein context (NP_689956.2, residues 73-93): LSFSLRLAGT[Phe83Leu]AAQENCFQYL

ClinVar aggregate classification (germline): Uncertain significance. Review status: criteria provided, multiple submitters, no conflicts (2 of 4 stars). 2 submissions from 2 submitters: Uncertain significance (2). Last evaluated 2019-04-30.

Conditions:
Neonatal-onset encephalopathy with rigidity and seizures. Also called: Lethal neonatal spasticity-epileptic encephalopathy syndrome. Identifiers: Orphanet 435845, MedGen C3281029, MONDO:0013784, OMIM 614498.

Submissions (2):

GeneDx
Classification: Uncertain significance. Last evaluated: 2019-04-30. Review status: criteria provided, single submitter. Criteria: GeneDx Variant Classification Process June 2021. Collection method: clinical testing. Allele origin: germline. Affected: yes.
Comment: Not observed in large population cohorts; In silico analysis, which includes protein predictors and evolutionary conservation, supports that this variant does not alter protein structure/function; Has not been previously published as pathogenic or benign to our knowledge

Labcorp Genetics (formerly Invitae), Labcorp
Classification: Uncertain significance for Neonatal-onset encephalopathy with rigidity and seizures. Last evaluated: 2018-12-13. Review status: criteria provided, single submitter. Criteria: Invitae Variant Classification Sherloc (09022015). Collection method: clinical testing. Allele origin: germline.
Comment: This sequence change replaces phenylalanine with leucine at codon 83 of the BRAT1 protein (p.Phe83Leu). The phenylalanine residue is moderately conserved and there is a small physicochemical difference between phenylalanine and leucine. This variant is not present in population databases (ExAC no frequency). This variant has not been reported in the literature in individuals with BRAT1-related disease. Algorithms developed to predict the effect of missense changes on protein structure and function output the following: SIFT: "Tolerated"; PolyPhen-2: "Benign"; Align-GVGD: "Class C0". The leucine amino acid residue is found in multiple mammalian species, suggesting that this missense change does not adversely affect protein function. These predictions have not been confirmed by published functional studies and their clinical significance is uncertain. In summary, the available evidence is currently insufficient to determine the role of this variant in disease. Therefore, it has been classified as a Variant of Uncertain Significance.